The following is an entry in ClinVar:

ClinVar aggregate classification (germline): Uncertain significance (1 of 4 stars; one submission).

Conditions:
Hereditary cancer-predisposing syndrome. Also called: Hereditary Cancer Syndrome; Hereditary neoplastic syndrome; Neoplastic Syndromes, Hereditary; Tumor predisposition. Identifiers: Orphanet 140162, MedGen C0027672, MeSH D009386, MONDO:0015356.

Allele frequency attached by ClinVar (database versions not stated): gnomAD 0.00001; TOPMed 0.00001.
gnomAD v4.1: 1 of 1,613,914 alleles (0.000062%); highest among the groups gnomAD compares: East Asian, 0.0022%; no homozygotes.

Submission:

Ambry Genetics
Classification: Uncertain significance for Hereditary cancer-predisposing syndrome. Last evaluated: 2021-10-21. Review status: criteria provided, single submitter. Criteria: Ambry Variant Classification Scheme 2023. Collection method: clinical testing. Allele origin: germline.
Comment: The p.K447N variant (also known as c.1341G>C), located in coding exon 10 of the POLD1 gene, results from a G to C substitution at nucleotide position 1341. The lysine at codon 447 is replaced by asparagine, an amino acid with similar properties. This amino acid position is conserved. In addition, this alteration is predicted to be tolerated by in silico analysis. Since supporting evidence is limited at this time, the clinical significance of this alteration remains unclear.

NM_002691.4(POLD1):c.1341G>C (p.Lys447Asn)

Gene: POLD1 (DNA polymerase delta 1, catalytic subunit; plus strand). Cytogenetic location: 19q13.33.
Variant type: single nucleotide variant.
Coding change: c.1341G>C on transcript NM_002691.4 (MANE Select); coding-DNA position 1341, G replaced by C.
Protein change: p.Lys447Asn; replaces lysine 447 with asparagine.
Molecular consequence: missense variant. On other transcripts: non-coding transcript variant (1).
Genome position (GRCh38, 1-based): chr19:50,406,280, G>C. VCF-style: chr19-50406280-G-C. GRCh37 (hg19) VCF-style: chr19-50909537-G-C.
Other names: c.1341G>C, p.Lys447Asn (NM_001256849.1, NM_001308632.1); short protein forms K447N.
Identifiers: ClinVar variation 1770377 (VCV001770377.2), dbSNP rs1319510284, ClinGen allele CA406979907.